The following is an entry in ClinVar:

ClinVar aggregate classification (germline): Likely pathogenic (1 of 4 stars; one submission).

Conditions:
Kleefstra syndrome 2 (KLEFS2). Identifiers: MedGen C4540395, MONDO:0054701, OMIM 617768.

Submission:

Women's Health and Genetics/Laboratory Corporation of America, LabCorp
Classification: Likely pathogenic for Kleefstra syndrome 2. Last evaluated: 2022-12-19. Review status: criteria provided, single submitter. Criteria: LabCorp Variant Classification Summary - May 2015. Collection method: clinical testing. Allele origin: germline.
Comment: Variant summary: The variant identified by MLPA or other technology involves the deletion of exons 16-38 in the KMT2C gene. A presumed nomenclature of c.(2652+1_2653-1)_(9262+1_9263-1)del has been designated for the purposes of this classification. Although exact breakpoints of this deletion are not known, it is expected to result in a frameshift in the KMT2C gene, a known mechanism of disease. The variant was absent in 21694 control chromosomes (gnomAD, structural variants dataset). To our knowledge, no occurrence of c.(2652+1_2653-1)_(9262+1_9263-1)del in individuals affected with Kleefstra Syndrome 2 and no experimental evidence demonstrating its impact on protein function have been reported. No clinical diagnostic laboratories have submitted clinical-significance assessments for this variant to ClinVar after 2014. Based on the evidence outlined above, the variant was classified as likely pathogenic.

NC_000007.13:g.(151871328_151873275)_(151933019_151935791)del

Gene: KMT2C (lysine methyltransferase 2C; minus strand). Cytogenetic location: 7q36.1.
Variant type: Deletion.
Identifiers: ClinVar variation 1878346 (VCV001878346.1).